The following is an entry in ClinVar:

NM_000732.6(CD3D):c.56-17_56-16delinsGC

Gene: CD3D (CD3 delta subunit of T-cell receptor complex; minus strand). Cytogenetic location: 11q23.3.
Variant type: Indel.
Coding change: c.56-17_56-16delinsGC on transcript NM_000732.6 (MANE Select); 17 bases into the intron before coding-DNA position 56 through 16 bases into the intron before coding-DNA position 56, TA replaced by GC.
Molecular consequence: intron variant.
Genome position (GRCh38, 1-based): chr11:118,340,609-118,340,610, TA replaced by GC on the plus strand (TA replaced by GC on the coding strand, the reverse complement: CD3D is on the minus strand). VCF-style: chr11-118340609-TA-GC. GRCh37 (hg19) VCF-style: chr11-118211324-TA-GC.
Other names: c.56-17_56-16delinsGC (NM_001040651.2).
Identifiers: ClinVar variation 3708488 (VCV003708488.2).

ClinVar aggregate classification (germline): Uncertain significance (1 of 4 stars; one submission).

Conditions:
Immunodeficiency 19 (IMD19). Also called: IMMUNODEFICIENCY 19, SEVERE COMBINED; CD3-DELTA DEFICIENCY; SEVERE COMBINED IMMUNODEFICIENCY, T CELL-NEGATIVE, B CELL-POSITIVE, NK CELL-POSITIVE; SCID, T CELL-NEGATIVE, B CELL-POSITIVE, NK CELL-POSITIVE. Identifiers: MedGen C3810147, MONDO:0014280, OMIM 615617.

Submission:

Labcorp Genetics (formerly Invitae), Labcorp
Classification: Uncertain significance for Immunodeficiency 19. Last evaluated: 2024-10-16. Review status: criteria provided, single submitter. Criteria: Invitae Variant Classification Sherloc (09022015). Collection method: clinical testing. Allele origin: germline.
Comment: This sequence change falls in intron 1 of the CD3D gene. It does not directly change the encoded amino acid sequence of the CD3D protein. Information on the frequency of this variant in the gnomAD database is not available, as this variant may be reported differently in the database. This variant has not been reported in the literature in individuals affected with CD3D-related conditions. Experimental studies and prediction algorithms are not available or were not evaluated, and the effect of this variant on mRNA splicing is currently unknown. In summary, the available evidence is currently insufficient to determine the role of this variant in disease. Therefore, it has been classified as a Variant of Uncertain Significance.